The following is an entry in ClinVar:

NM_003458.4(BSN):c.2623C>T (p.Gln875Ter)

Gene: BSN (bassoon presynaptic cytomatrix protein; plus strand). Cytogenetic location: 3p21.31.
Variant type: single nucleotide variant.
Coding change: c.2623C>T on transcript NM_003458.4 (MANE Select); coding-DNA position 2623, C replaced by T.
Protein change: p.Gln875Ter; replaces glutamine 875 with a stop codon.
Molecular consequence: nonsense.
Genome position (GRCh38, 1-based): chr3:49,652,179, C>T. VCF-style: chr3-49652179-C-T. GRCh37 (hg19) VCF-style: chr3-49689612-C-T.
Other names: short protein forms Q875*.
Identifiers: ClinVar variation 4082347 (VCV004082347.1).

ClinVar aggregate classification (germline): Pathogenic (1 of 4 stars; one submission).

Conditions:
BSN-associated epilepsy.

Submission:

Institute of Human Genetics, University of Leipzig Medical Center
Classification: Pathogenic for BSN-associated epilepsy. Last evaluated: 2025-07-29. Review status: criteria provided, single submitter. Criteria: ACMG Guidelines, 2015. Collection method: clinical testing. Allele origin: unknown. Inheritance: Autosomal dominant inheritance. Affected: yes.
Comment: Criteria applied: PVS1,PM2